The following is an entry in ClinVar:

NM_004172.5(SLC1A3):c.*133A>G

Genes: SLC1A3 (solute carrier family 1 member 3; plus strand), SLC1A3-AS1 (SLC1A3 antisense RNA 1; minus strand). Cytogenetic location: 5p13.2.
Variant type: single nucleotide variant.
Coding change: c.*133A>G on transcript NM_004172.5 (MANE Select); 133 bases downstream of the stop codon, A replaced by G.
Molecular consequence: 3 prime UTR variant.
Genome position (GRCh38, 1-based): chr5:36,686,402, A>G. VCF-style: chr5-36686402-A-G. GRCh37 (hg19) VCF-style: chr5-36686504-A-G.
Other names: c.*133A>G (NM_001166695.3, NM_001289939.2, NM_001289940.2).
Identifiers: ClinVar variation 353328 (VCV000353328.7), dbSNP rs6879542, ClinGen allele CA10624557.

ClinVar aggregate classification (germline): Benign. Review status: criteria provided, multiple submitters, no conflicts (2 of 4 stars). 3 submissions from 3 submitters: Benign (3). Last evaluated 2021-05-25.

Conditions:
Episodic ataxia type 6. Identifiers: Orphanet 209967, MedGen C2675211, MONDO:0012982, OMIM 612656.

Allele frequency attached by ClinVar (database versions not stated): gnomAD 0.03052 and 0.02864; TOPMed 0.03169; 1000 Genomes Project 0.03634; 1000 Genomes Project 30x 0.03919; gnomAD exomes 0.00352.
gnomAD v4.1: 6,661 of 763,576 alleles (0.87%); highest among the groups gnomAD compares: African/African-American, 9.8%; 315 homozygotes.

Submissions (3):

GeneDx
Classification: Benign. Last evaluated: 2021-05-25. Review status: criteria provided, single submitter. Criteria: GeneDx Variant Classification Process June 2021. Collection method: clinical testing. Allele origin: germline. Affected: yes.

Illumina Laboratory Services, Illumina
Classification: Benign for Episodic ataxia type 6. Last evaluated: 2018-01-12. Review status: criteria provided, single submitter. Criteria: ICSL Variant Classification Criteria 13 December 2019. Collection method: clinical testing. Allele origin: germline.
Comment: This variant was observed in the ICSL laboratory as part of a predisposition screen in an ostensibly healthy population. It had not been previously curated by ICSL or reported in the Human Gene Mutation Database (HGMD: prior to June 1st, 2018), and was therefore a candidate for classification through an automated scoring system. Utilizing variant allele frequency, disease prevalence and penetrance estimates, and inheritance mode, an automated score was calculated to assess if this variant is too frequent to cause the disease. Based on the score and internal cut-off values, a variant classified as benign is not then subjected to further curation. The score for this variant resulted in a classification of benign for this disease.

Breakthrough Genomics
Classification: Benign. Review status: criteria provided, single submitter. Criteria: ACMG Guidelines, 2015. Collection method: not provided. Allele origin: germline. Inheritance: Autosomal dominant inheritance. Affected: yes.